The following is an entry in ClinVar:

ClinVar aggregate classification (germline): Likely pathogenic (1 of 4 stars; one submission).

Submission:

Baylor Genetics
Classification: Likely pathogenic. Last evaluated: 2018-11-01. Review status: criteria provided, single submitter. Criteria: ACMG CNV Guidelines, 2011. Collection method: clinical testing. Allele origin: maternal. Observed: 1 variant allele.

GRCh37/hg19 17q23.1-23.2(chr17:58121190-60140614)

Genes: APPBP2 (amyloid beta precursor protein binding protein 2; minus strand), BCAS3 (BCAS3 microtubule associated cell migration factor; plus strand), BRIP1 (BRCA1 interacting helicase 1; minus strand), C17orf64 (chromosome 17 open reading frame 64; plus strand), CA4 (carbonic anhydrase 4; plus strand) and 9 more. Cytogenetic location: 17q23.1-23.2.
Variant type: copy number gain.
Identifiers: ClinVar variation 625757 (VCV000625757.1).